The following is an entry in ClinVar:

NM_002582.4(PARN):c.1661G>T (p.Arg554Leu)

Gene: PARN (poly(A)-specific ribonuclease; minus strand). Cytogenetic location: 16p13.12.
Variant type: single nucleotide variant.
Coding change: c.1661G>T on transcript NM_002582.4 (MANE Select); coding-DNA position 1661, G replaced by T.
Protein change: p.Arg554Leu; replaces arginine 554 with leucine.
Molecular consequence: missense variant.
Genome position (GRCh38, 1-based): chr16:14,482,647, C>A on the plus strand (G>T on the coding strand, the complement: PARN is on the minus strand). VCF-style: chr16-14482647-C-A. GRCh37 (hg19) VCF-style: chr16-14576504-C-A.
Other names: c.1478G>T, p.Arg493Leu (NM_001134477.3); c.1523G>T, p.Arg508Leu (NM_001242992.2); short protein forms R493L, R554L, R508L.
Identifiers: ClinVar variation 1437333 (VCV001437333.6), dbSNP rs372489171, ClinGen allele CA7911971.

ClinVar aggregate classification (germline): Uncertain significance (1 of 4 stars; one submission).

Conditions:
Dyskeratosis congenita, autosomal recessive 6 (DKCB6). Identifiers: MedGen C4225356, MONDO:0014600, OMIM 616353.
Pulmonary fibrosis and/or bone marrow failure, Telomere-related, 4. Also called: PULMONARY FIBROSIS AND/OR BONE MARROW FAILURE SYNDROME, TELOMERE-RELATED, 4. Identifiers: Orphanet 2032, MedGen C4225347, MONDO:0014612, OMIM 616371.

Allele frequency attached by ClinVar (database versions not stated): ESP Exome Variant Server 0.00008.
gnomAD v4.1: 37 of 1,601,368 alleles (0.0023%); highest among the groups gnomAD compares: South Asian, 0.023%; 1 homozygote.

Submission:

Labcorp Genetics (formerly Invitae), Labcorp
Classification: Uncertain significance for Dyskeratosis congenita, autosomal recessive 6; Pulmonary fibrosis and/or bone marrow failure, Telomere-related, 4. Last evaluated: 2022-12-25. Review status: criteria provided, single submitter. Criteria: Invitae Variant Classification Sherloc (09022015). Collection method: clinical testing. Allele origin: germline.
Comment: In summary, the available evidence is currently insufficient to determine the role of this variant in disease. Therefore, it has been classified as a Variant of Uncertain Significance. Algorithms developed to predict the effect of missense changes on protein structure and function (SIFT, PolyPhen-2, Align-GVGD) all suggest that this variant is likely to be tolerated. ClinVar contains an entry for this variant (Variation ID: 1437333). This variant has not been reported in the literature in individuals affected with PARN-related conditions. This variant is present in population databases (rs372489171, gnomAD 0.01%). This sequence change replaces arginine, which is basic and polar, with leucine, which is neutral and non-polar, at codon 554 of the PARN protein (p.Arg554Leu).